The following is an entry in ClinVar:

NM_001009944.3(PKD1):c.6764G>A (p.Arg2255His)

Gene: PKD1 (polycystin 1, transient receptor potential channel interacting; minus strand). Cytogenetic location: 16p13.3.
Variant type: single nucleotide variant.
Coding change: c.6764G>A on transcript NM_001009944.3 (MANE Select); coding-DNA position 6764, G replaced by A.
Protein change: p.Arg2255His; replaces arginine 2255 with histidine.
Molecular consequence: missense variant.
Genome position (GRCh38, 1-based): chr16:2,108,403, C>T on the plus strand (G>A on the coding strand, the complement: PKD1 is on the minus strand). VCF-style: chr16-2108403-C-T. GRCh37 (hg19) VCF-style: chr16-2158404-C-T.
Other names: c.6764G>A (NM_000296.3); c.6764G>A, p.Arg2255His (NM_000296.4); short protein forms R2255H.
Identifiers: ClinVar variation 2635859 (VCV002635859.3), dbSNP rs538164729, ClinGen allele CA7831469.
Genomic context (GRCh38, chr16:2,108,403, plus strand): 5'-ACCAGGTCCCGTGTGTCTGACCACACGCGGTATGAGCCACCCTCAATGATGGGCACCAGG[C>T]GCTCGGGGGCCACCGTCACATTGGCCTGGATGCTCTGTGTCAGTGGCGTGTCCCCAAATG-3'
Protein context (NP_001009944.3, residues 2245-2265): IQANVTVAPE[Arg2255His]LVPIIEGGSY

ClinVar aggregate classification (germline): Uncertain significance. Review status: criteria provided, multiple submitters, no conflicts (2 of 4 stars). 3 submissions from 3 submitters: Uncertain significance (3). Last evaluated 2024-12-03.

Conditions:
Inborn genetic diseases. Identifiers: MedGen C0950123, MeSH D030342.
Polycystic kidney disease, adult type (PKD1). Also called: POLYCYSTIC KIDNEY DISEASE 1 WITH OR WITHOUT POLYCYSTIC LIVER DISEASE; Polycystic Kidney Disease 1, Autosomal Dominant; Polycystic kidney disease 1; Polycystic kidney disease 1, severe; Polycystic Kidney, Autosomal Dominant; POLYCYSTIC KIDNEY DISEASE, ADULT, TYPE I. Identifiers: MedGen C3149841, MONDO:0008263, OMIM 173900.
PKD1-related disorder. Also called: PKD1-related condition.

Allele frequency attached by ClinVar (database versions not stated): ExAC 0.00001; gnomAD 0.00001; gnomAD exomes 0.00002; 1000 Genomes Project 30x 0.00016; 1000 Genomes Project 0.00020.

Submissions (3):

Ambry Genetics
Classification: Uncertain significance for Inborn genetic diseases. Last evaluated: 2024-12-03. Review status: criteria provided, single submitter. Criteria: Ambry Variant Classification Scheme 2023. Collection method: clinical testing. Allele origin: germline.

PreventionGenetics, part of Exact Sciences
Classification: Uncertain significance for PKD1-related condition. Last evaluated: 2023-06-30. Review status: criteria provided, single submitter. Criteria: ACMG Guidelines, 2015. Collection method: clinical testing. Allele origin: germline.
Comment: The PKD1 c.6764G>A variant is predicted to result in the amino acid substitution p.Arg2255His. To our knowledge, this variant has not been reported in the literature. This variant is reported in 0.0062% of alleles in individuals of African descent in gnomAD. Different amino acid substitutions affecting the same residue have been reported in association with polycystic kidney disease (See for example, p.Arg2255Cys, Bergmann et al. 2011. PubMed ID: 22034641; p.Arg2255Pro, Mantovani et al. 2020. PubMed ID: 32457805). At this time, the clinical significance of this variant is uncertain due to the absence of conclusive functional and genetic evidence.

Department of Pathology and Laboratory Medicine, Sinai Health System
Classification: Uncertain significance for Polycystic kidney disease, adult type. Last evaluated: 2021-12-20. Review status: criteria provided, single submitter. Criteria: ACMG Guidelines, 2015. Collection method: research. Allele origin: germline.